The following is an entry in ClinVar:

ClinVar aggregate classification (germline): Uncertain significance (1 of 4 stars; one submission).

Submission:

GeneDx
Classification: Uncertain significance. Last evaluated: 2022-01-28. Review status: criteria provided, single submitter. Criteria: GeneDx Variant Classification Process June 2021. Collection method: clinical testing. Allele origin: germline. Affected: yes.
Comment: Not observed at significant frequency in large population cohorts (gnomAD); In silico analysis supports a deleterious effect on splicing; Has not been previously published as pathogenic or benign to our knowledge

NM_004539.4(NARS1):c.342+2_342+3insTC

Gene: NARS1 (asparaginyl-tRNA synthetase 1; minus strand). Cytogenetic location: 18q21.31.
Variant type: Insertion.
Coding change: c.342+2_342+3insTC on transcript NM_004539.4 (MANE Select); the canonical splice donor site of the intron after coding-DNA position 342 through 3 bases into the intron after coding-DNA position 342, TC inserted.
Molecular consequence: splice donor variant.
Genome position: GRCh38 VCF-style: chr18-57615638-T-TAG. GRCh37 (hg19) VCF-style: chr18-55282870-T-TAG.
Identifiers: ClinVar variation 1699869 (VCV001699869.2), dbSNP rs2122451381, ClinGen allele CA2580095936.